The following is an entry in ClinVar:

NM_152564.5(VPS13B):c.9592C>A (p.Arg3198=)

Gene: VPS13B (vacuolar protein sorting 13 homolog B; plus strand). Cytogenetic location: 8q22.2.
Variant type: single nucleotide variant.
Coding change: c.9592C>A on transcript NM_152564.5 (MANE Select); coding-DNA position 9592, C replaced by A.
Protein change: p.Arg3198=; no amino-acid change (arginine 3198 retained).
Molecular consequence: synonymous variant.
Genome position (GRCh38, 1-based): chr8:99,832,630, C>A. VCF-style: chr8-99832630-C-A. GRCh37 (hg19) VCF-style: chr8-100844858-C-A.
Other names: c.9667C>A, p.Arg3223= (NM_017890.5).
Identifiers: ClinVar variation 4063183 (VCV004063183.2).

ClinVar aggregate classification (germline): Likely benign. Review status: criteria provided, single submitter (1 of 4 stars). 2 submissions from 2 submitters: Likely benign (1). 1 of the submissions does not count toward it. Last evaluated 2026-06-08.

Conditions:
VPS13B-related disorder. Also called: VPS13B-related condition.
Cohen syndrome (COH1). Also called: PEPPER SYNDROME; Cutis verticis gyrata, retinitis pigmentosa, and sensorineural deafness. Identifiers: Orphanet 193, MedGen C0265223, MONDO:0008999, OMIM 216550.

gnomAD v4.1: 3 of 1,613,548 alleles (0.00019%); highest among the groups gnomAD compares: African/African-American, 0.004%; no homozygotes.

Submissions (2):

PreventionGenetics, part of Exact Sciences
Classification: Likely benign for VPS13B-related condition. Last evaluated: 2026-06-08. Review status: criteria provided, single submitter. Criteria: ACMG Guidelines, 2015. Collection method: clinical testing. Allele origin: germline.
Comment: This variant is classified as likely benign based on ACMG/AMP sequence variant interpretation guidelines (Richards et al. 2015 PMID: 25741868, with internal and published modifications).

Natera, Inc.
Classification: Uncertain significance for Cohen syndrome. Last evaluated: 2025-03-17. Review status: no assertion criteria provided. Collection method: clinical testing. Allele origin: germline. Not counted in ClinVar's aggregate classification.